The following is an entry in ClinVar:

NM_004606.5(TAF1):c.4313G>A (p.Arg1438His)

Gene: TAF1 (TATA-box binding protein associated factor 1; plus strand). Cytogenetic location: Xq13.1.
Variant type: single nucleotide variant.
Coding change: c.4313G>A on transcript NM_004606.5 (MANE Select); coding-DNA position 4313, G replaced by A.
Protein change: p.Arg1438His; replaces arginine 1438 with histidine.
Molecular consequence: missense variant. On other transcripts: non-coding transcript variant (9).
Genome position (GRCh38, 1-based): chrX:71,408,080, G>A. VCF-style: chrX-71408080-G-A. GRCh37 (hg19) VCF-style: chrX-70627930-G-A.
Other names: c.4313G>A, p.Arg1438His (NM_001286074.2, NM_001440852.1, NM_001440853.1); c.4250G>A, p.Arg1417His (NM_001440854.1, NM_138923.4); short protein forms R1438H, R1417H.
Identifiers: ClinVar variation 4752351 (VCV004752351.1).

ClinVar aggregate classification (germline): Uncertain significance (1 of 4 stars; one submission).

Submission:

Labcorp Genetics (formerly Invitae), Labcorp
Classification: Uncertain significance. Last evaluated: 2025-08-06. Review status: criteria provided, single submitter. Criteria: Invitae Variant Classification Sherloc (09022015). Collection method: clinical testing. Allele origin: germline.
Comment: This sequence change replaces arginine, which is basic and polar, with histidine, which is basic and polar, at codon 1458 of the TAF1 protein (p.Arg1458His). This variant is present in population databases (no rsID available, gnomAD 0.001%), including at least one homozygous and/or hemizygous individual. This variant has not been reported in the literature in individuals affected with TAF1-related conditions. Invitae Evidence Modeling of protein sequence and biophysical properties (such as structural, functional, and spatial information, amino acid conservation, physicochemical variation, residue mobility, and thermodynamic stability) indicates that this missense variant is not expected to disrupt TAF1 protein function with a negative predictive value of 80%. In summary, the available evidence is currently insufficient to determine the role of this variant in disease. Therefore, it has been classified as a Variant of Uncertain Significance.